The following is an entry in ClinVar:

ClinVar aggregate classification (germline): Pathogenic. Review status: criteria provided, multiple submitters, no conflicts (2 of 4 stars). 2 submissions from 2 submitters: Pathogenic (2). Last evaluated 2024-12-04.

Conditions:
Dilated cardiomyopathy 1G (CMD1G). Identifiers: Orphanet 154, MedGen C1858763, MONDO:0011400, OMIM 604145.
Autosomal recessive limb-girdle muscular dystrophy type 2J (LGMDR10). Also called: Limb-girdle muscular dystrophy, type 2J; MUSCULAR DYSTROPHY, LIMB-GIRDLE, AUTOSOMAL RECESSIVE 10. Identifiers: Orphanet 140922, MedGen C1837342, MONDO:0012127, OMIM 608807.

Submissions (2):

Labcorp Genetics (formerly Invitae), Labcorp
Classification: Pathogenic for Dilated cardiomyopathy 1G; Autosomal recessive limb-girdle muscular dystrophy type 2J. Last evaluated: 2024-12-04. Review status: criteria provided, single submitter. Criteria: Invitae Variant Classification Sherloc (09022015). Collection method: clinical testing. Allele origin: germline.
Comment: This sequence change creates a premature translational stop signal (p.Gln22210*) in the TTN gene. While this is not anticipated to result in nonsense mediated decay, it is expected to create a truncated TTN protein. This variant is not present in population databases (gnomAD no frequency). This premature translational stop signal has been observed in individuals with dilated cardiomyopathy and/or peripartum cardiomyopathy (PMID: 32880476; internal data). ClinVar contains an entry for this variant (Variation ID: 1482784). This variant is located in the A band of TTN (PMID: 25589632). Truncating variants in this region are significantly overrepresented in patients affected with dilated cardiomyopathy (PMID: 25589632). Truncating variants in this region have also been reported in individuals affected with autosomal recessive centronuclear myopathy (PMID: 23975875). For these reasons, this variant has been classified as Pathogenic.

GeneDx
Classification: Pathogenic. Last evaluated: 2022-03-07. Review status: criteria provided, single submitter. Criteria: GeneDx Variant Classification Process June 2021. Collection method: clinical testing. Allele origin: germline. Affected: yes.
Comment: Reported in a patient with dilated cardiomyopathy (Verdonschot et al., 2020); Not observed at significant frequency in large population cohorts (gnomAD); Nonsense variant predicted to result in protein truncation or nonsense-mediated decay in a gene for which loss-of-function is a known mechanism of disease; Located in the A-band region of titin, where the majority of truncating pathogenic variants associated with DCM have been reported (Herman et al., 2012).; This variant is associated with the following publications: (PMID: 23975875, 32880476)

Literature cited by the submitters: PubMed 32880476 (cited by Labcorp Genetics (formerly Invitae), Labcorp); PubMed 25589632 (cited by Labcorp Genetics (formerly Invitae), Labcorp); PubMed 23975875 (cited by Labcorp Genetics (formerly Invitae), Labcorp).

NM_001267550.2(TTN):c.66628C>T (p.Gln22210Ter)

Genes: TTN-AS1 (TTN antisense RNA 1; plus strand), TTN (titin; minus strand). Cytogenetic location: 2q31.2.
Variant type: single nucleotide variant.
Coding change: c.66628C>T on transcript NM_001267550.2 (MANE Select); coding-DNA position 66628, C replaced by T.
Protein change: p.Gln22210Ter; replaces glutamine 22210 with a stop codon.
Molecular consequence: nonsense.
Genome position (GRCh38, 1-based): chr2:178,581,640, G>A on the plus strand (C>T on the coding strand, the complement: TTN is on the minus strand). VCF-style: chr2-178581640-G-A. GRCh37 (hg19) VCF-style: chr2-179446367-G-A.
Other names: c.61705C>T, p.Gln20569Ter (NM_001256850.1); c.39433C>T, p.Gln13145Ter (NM_003319.4); c.58924C>T, p.Gln19642Ter (NM_133378.4); c.39808C>T, p.Gln13270Ter (NM_133432.3); c.40009C>T, p.Gln13337Ter (NM_133437.4); short protein forms Q13337*, Q20569*, Q19642*, Q22210*, Q13145*, Q13270*.
Identifiers: ClinVar variation 1482784 (VCV001482784.7), dbSNP rs757047748, ClinGen allele CA349428669.